The following is an entry in ClinVar:

NM_001753.5(CAV1):c.525G>C (p.Gln175His)

Gene: CAV1 (caveolin 1; plus strand). Cytogenetic location: 7q31.2.
Variant type: single nucleotide variant.
Coding change: c.525G>C on transcript NM_001753.5 (MANE Select); coding-DNA position 525, G replaced by C.
Protein change: p.Gln175His; replaces glutamine 175 with histidine.
Molecular consequence: missense variant.
Genome position (GRCh38, 1-based): chr7:116,559,275, G>C. VCF-style: chr7-116559275-G-C. GRCh37 (hg19) VCF-style: chr7-116199329-G-C.
Other names: c.432G>C, p.Gln144His (NM_001172895.1, NM_001172896.2, NM_001172897.2); short protein forms Q144H, Q175H.
Identifiers: ClinVar variation 3221778 (VCV003221778.1), dbSNP rs142699467, ClinGen allele CA369117677.
Genomic context (GRCh38, chr7:116,559,275, plus strand): 5'-CTGTGACCCACTCTTTGAAGCTGTTGGGAAAATATTCAGCAATGTCCGCATCAACTTGCA[G>C]AAAGAAATATAAATGACATTTCAAGGATAGAAGTATACCTGATTTTTTTTCCTTTTAATT-3'
Protein context (NP_001744.2, residues 165-178): KIFSNVRINL[Gln175His]KEI

ClinVar aggregate classification (germline): Uncertain significance (1 of 4 stars; one submission).

Conditions:
Inborn genetic diseases. Identifiers: MedGen C0950123, MeSH D030342.

gnomAD v4.1: 1 of 1,611,556 alleles (0.000062%); highest among the groups gnomAD compares: South Asian, 0.0011%; no homozygotes.

Submission:

Ambry Genetics
Classification: Uncertain significance for Inborn genetic diseases. Last evaluated: 2022-11-27. Review status: criteria provided, single submitter. Criteria: Ambry Variant Classification Scheme 2023. Collection method: clinical testing. Allele origin: germline.
Comment: The p.Q175H variant (also known as c.525G>C), located in coding exon 3 of the CAV1 gene, results from a G to C substitution at nucleotide position 525. The glutamine at codon 175 is replaced by histidine, an amino acid with highly similar properties. This amino acid position is conserved. In addition, the in silico prediction for this alteration is inconclusive. Since supporting evidence is limited at this time, the clinical significance of this alteration remains unclear.